The following is an entry in ClinVar:

NM_013386.5(SLC25A24):c.977G>A (p.Gly326Glu)

Gene: SLC25A24 (solute carrier family 25 member 24; minus strand). Cytogenetic location: 1p13.3.
Variant type: single nucleotide variant.
Coding change: c.977G>A on transcript NM_013386.5 (MANE Select); coding-DNA position 977, G replaced by A.
Protein change: p.Gly326Glu; replaces glycine 326 with glutamic acid.
Molecular consequence: missense variant.
Genome position (GRCh38, 1-based): chr1:108,143,664, C>T on the plus strand (G>A on the coding strand, the complement: SLC25A24 is on the minus strand). VCF-style: chr1-108143664-C-T. GRCh37 (hg19) VCF-style: chr1-108686286-C-T.
Other names: c.920G>A, p.Gly307Glu (NM_213651.3); short protein forms G307E, G326E.
Identifiers: ClinVar variation 4854632 (VCV004854632.1).
Genomic context (GRCh38, chr1:108,143,664, plus strand): 5'-CCTTTGTAAAAAGCTCCCAAGCCTTCATGTTTCAAAATCTTCTTGGCACAATCATATATT[C>T]CAGAGTACTGCCCAGTTTTGCCTACAGCCAGCCTGGTTTTCATAACCTGGATATAAAAAA-3'
Protein context (NP_037518.3, residues 316-336): LAVGKTGQYS[Gly326Glu]IYDCAKKILK

ClinVar aggregate classification (germline): Uncertain significance (1 of 4 stars; one submission).

Conditions:
Fontaine progeroid syndrome. Also called: Progeroid syndrome congenital Petty type; Petty Laxova Wiedemann syndrome; SLC25A24 Fontaine Progeroid Syndrome; CRANIOFACIAL DYSOSTOSIS, HYPERTRICHOSIS, HYPOPLASIA OF LABIA MAJORA, DENTAL AND EYE ANOMALIES, PATENT DUCTUS ARTERIOSUS, AND NORMAL INTELLIGENCE; Craniofacial dysostosis, patent ductus arteriosus, hypertrichosis, hypoplasia of labia majora, dental and eye anomalies; GCM syndrome. Identifiers: Orphanet 2095, MedGen C2676780, MONDO:0012853, OMIM 612289.

Submission:

3billion
Classification: Uncertain significance for Fontaine progeroid syndrome. Last evaluated: 2025-07-08. Review status: criteria provided, single submitter. Criteria: ACMG Guidelines, 2015. Collection method: clinical testing. Allele origin: germline. Affected: yes.
Comment: The variant is not observed in the gnomAD v4.1.0 dataset. Predicted Consequence/Location: Missense variant In silico tool predictions suggest damaging effect of the variant on gene or gene product [REVEL: 0.87 (>=0.6, sensitivity 0.68 and specificity 0.92)]. Therefore, this variant is classified as VUS according to the recommendation of ACMG/AMP guideline.